The following is an entry in ClinVar:

ClinVar aggregate classification (germline): Pathogenic. Review status: criteria provided, multiple submitters, no conflicts (2 of 4 stars). 2 submissions from 2 submitters: Pathogenic (2). Last evaluated 2024-05-23.

Conditions:
Citrullinemia type II. Also called: Citrullinemia Type II (CTLN2). Identifiers: Orphanet 247585, MedGen C1863844, MONDO:0016603.
Neonatal intrahepatic cholestasis due to citrin deficiency (CDNI). Also called: Neonatal-onset citrullinemia type II; Neonatal-onset citrullinemia type 2; CITRIN DEFICIENCY, NEONATAL OR INFANTILE ONSET; Neonatal Intrahepatic Cholestasis Caused by Citrin Deficiency (NICCD). Identifiers: Orphanet 247598, MedGen C1853942, MONDO:0011601, OMIM 605814.
Citrullinemia, type II, adult-onset (CDAA). Also called: CITRIN DEFICIENCY, ADOLESCENT OR ADULT ONSET. Identifiers: Orphanet 247585, MedGen CN295299, MONDO:0011326, OMIM 603471.

Submissions (2):

Fulgent Genetics
Classification: Pathogenic for Citrullinemia, type II, adult-onset; Neonatal intrahepatic cholestasis due to citrin deficiency. Last evaluated: 2024-05-23. Review status: criteria provided, single submitter. Criteria: ACMG Guidelines, 2015. Collection method: clinical testing. Allele origin: germline.

Women's Health and Genetics/Laboratory Corporation of America, LabCorp
Classification: Pathogenic for Citrullinemia type II. Last evaluated: 2024-05-21. Review status: criteria provided, single submitter. Criteria: LabCorp Variant Classification Summary - May 2015. Collection method: clinical testing. Allele origin: germline.
Comment: Variant summary: SLC25A13 c.1793T>G (p.Leu598Arg) results in a non-conservative amino acid change in the encoded protein sequence. Five of five in-silico tools predict a damaging effect of the variant on protein function. The variant was absent in 251126 control chromosomes. c.1793T>G has been reported in the literature in the homozygous and presumed compound heterozygous states multiple individuals affected with Citrullinemia Type II (e.g. Kido_2022, Luder_2006, Sarita_2020). These data indicate that the variant is very likely to be associated with disease. At least one experimental study in agc1 deficient yeast showed that this variant was unable to restore growth and exhibited characteristics similar to agc1 cells lacking any AGC2 expression (e.g. Wongkittichote_2013). The following publications have been ascertained in the context of this evaluation (PMID: 16874556, 35142380, 32447331, 18392553, 23053473). No submitters have cited clinical-significance assessments for this variant to ClinVar. Based on the evidence outlined above, the variant was classified as pathogenic.

Literature cited by the submitters: PubMed 23053473 (cited by Women's Health and Genetics/Laboratory Corporation of America, LabCorp); PubMed 18392553 (cited by Women's Health and Genetics/Laboratory Corporation of America, LabCorp); PubMed 35142380 (cited by Women's Health and Genetics/Laboratory Corporation of America, LabCorp); PubMed 32447331 (cited by Women's Health and Genetics/Laboratory Corporation of America, LabCorp); PubMed 16874556 (cited by Women's Health and Genetics/Laboratory Corporation of America, LabCorp).

NM_014251.3(SLC25A13):c.1793T>G (p.Leu598Arg)

Gene: SLC25A13 (solute carrier family 25 member 13; minus strand). Cytogenetic location: 7q21.3.
Variant type: single nucleotide variant.
Coding change: c.1793T>G on transcript NM_014251.3 (MANE Select); coding-DNA position 1793, T replaced by G.
Protein change: p.Leu598Arg; replaces leucine 598 with arginine.
Molecular consequence: missense variant. On other transcripts: non-coding transcript variant (1).
Genome position (GRCh38, 1-based): chr7:96,121,703, A>C on the plus strand (T>G on the coding strand, the complement: SLC25A13 is on the minus strand). VCF-style: chr7-96121703-A-C. GRCh37 (hg19) VCF-style: chr7-95751015-A-C.
Other names: c.1796T>G, p.Leu599Arg (NM_001160210.2); short protein forms L598R, L599R.
Identifiers: ClinVar variation 3336478 (VCV003336478.2).
Genomic context (GRCh38, chr7:96,121,703, plus strand): 5'-CATGATACTTACACTCCTCCAAAATCAATGTAGAACCATCGCTGTAGCAATTCGTAAGTC[A>C]GCAAAGTTACACCAAACTGGGGTGAGGATCGAAATACACGAGCTTTAAAAAAATGGAGAA-3'
Protein context (NP_055066.1, residues 588-608): RSSPQFGVTL[Leu598Arg]TYELLQRWFY